The following is an entry in ClinVar:

ClinVar aggregate classification (germline): Uncertain significance (1 of 4 stars; one submission).

Conditions:
CACNA1I-related disorder. Also called: CACNA1I-related condition.

Submission:

PreventionGenetics, part of Exact Sciences
Classification: Uncertain significance for CACNA1I-related condition. Last evaluated: 2025-01-18. Review status: criteria provided, single submitter. Criteria: ACMG Guidelines, 2015. Collection method: clinical testing. Allele origin: germline.
Comment: The CACNA1I c.399G>C variant is predicted to result in the amino acid substitution p.Lys133Asn. To our knowledge, this variant has not been reported in the literature or in a large population database (gnomAD), indicating this variant is rare. At this time, the clinical significance of this variant is uncertain due to the absence of conclusive functional and genetic evidence.

NM_021096.4(CACNA1I):c.399G>C (p.Lys133Asn)

Gene: CACNA1I (calcium voltage-gated channel subunit alpha1 I; plus strand). Cytogenetic location: 22q13.1.
Variant type: single nucleotide variant.
Coding change: c.399G>C on transcript NM_021096.4 (MANE Select); coding-DNA position 399, G replaced by C.
Protein change: p.Lys133Asn; replaces lysine 133 with asparagine.
Molecular consequence: missense variant.
Genome position (GRCh38, 1-based): chr22:39,600,570, G>C. VCF-style: chr22-39600570-G-C. GRCh37 (hg19) VCF-style: chr22-39996575-G-C.
Other names: c.399G>C, p.Lys133Asn (NM_001003406.2); short protein forms K133N.
Identifiers: ClinVar variation 4998154 (VCV004998154.1).